The following is an entry in ClinVar:

ClinVar aggregate classification (germline): Pathogenic/Likely pathogenic. Review status: criteria provided, multiple submitters, no conflicts (2 of 4 stars). 3 submissions from 3 submitters: Pathogenic (2); Likely pathogenic (1). Last evaluated 2023-09-27.

Conditions:
Cataract 1 multiple types. Also called: CATARACT 1, NUCLEAR PROGRESSIVE; CATARACT 1, POSTERIOR SUBCAPSULAR, WITH MICROCORNEA; CATARACT 1, STELLATE NUCLEAR, WITH MICROCORNEA; CATARACT 1, MULTIPLE TYPES, WITH OR WITHOUT MICROCORNEA; CATARACT, DUFFY-LINKED; CATARACT 1 WITH MICROCORNEA. Identifiers: Orphanet 1377, MedGen C1861828, MONDO:0007285, OMIM 116200.

Submissions (3):

Labcorp Genetics (formerly Invitae), Labcorp
Classification: Pathogenic for Cataract 1 multiple types. Last evaluated: 2023-09-27. Review status: criteria provided, single submitter. Criteria: Invitae Variant Classification Sherloc (09022015). Collection method: clinical testing. Allele origin: germline.
Comment: This sequence change replaces tryptophan, which is neutral and slightly polar, with leucine, which is neutral and non-polar, at codon 45 of the GJA8 protein (p.Trp45Leu). This variant is not present in population databases (gnomAD no frequency). This missense change has been observed in individuals with autosomal dominant congenital cataracts (PMID: 28392901, 29464339). It has also been observed to segregate with disease in related individuals. ClinVar contains an entry for this variant (Variation ID: 845873). Advanced modeling of protein sequence and biophysical properties (such as structural, functional, and spatial information, amino acid conservation, physicochemical variation, residue mobility, and thermodynamic stability) performed at Invitae indicates that this missense variant is expected to disrupt GJA8 protein function. This variant disrupts the p.Trp45 amino acid residue in GJA8. Other variant(s) that disrupt this residue have been determined to be pathogenic (PMID: 18334946, 21228318, 25003127, 26694549). This suggests that this residue is clinically significant, and that variants that disrupt this residue are likely to be disease-causing. For these reasons, this variant has been classified as Pathogenic.

Dept. Genetics and Cancer, Menzies Institute for Medical Research, University of Tasmania
Classification: Likely pathogenic for Cataract 1 multiple types. Last evaluated: 2023-01-21. Review status: criteria provided, single submitter. Criteria: ACMG Guidelines, 2015. Collection method: curation. Allele origin: germline. Affected: yes.
Comment: Variant identified and curated during a GJA8 specific review of the literature in relation to pediatric or congenital cataract. ACMG-AMP criteria applied: PP1(Strong), PS4(Supporting), PM1(Supporting), PM2(Supporting), PP3. Original variant report: PMID:28392901;29464339;32830442;33494148;35980487. Additional phenotype/s reported in these individual/s are: Microphthalmia and nystagmus. Gene review and curation guidelines are outlined in: DOI 10.1080/17469899.2023.2160320

Victorian Clinical Genetics Services, Murdoch Childrens Research Institute
Classification: Pathogenic for Cataract 1 multiple types. Last evaluated: 2022-02-02. Review status: criteria provided, single submitter. Criteria: ACMG Guidelines, 2015. Collection method: clinical testing. Allele origin: germline. Inheritance: Autosomal dominant inheritance. Affected: yes.
Comment: Based on the classification scheme VCGS_Germline_v1.3.4, this variant is classified as Pathogenic. Following criteria are met: 0104 - Dominant negative is a likely mechanism of disease in this gene and is associated with cataract 1, multiple types (MIM#116200). While loss of function has been described for missense variants in this gene (OMIM), dominant negative is a likely mechansim because this protein forms multimers (PMID: 33218330) and variants resulting in protein truncation are prevalent in the general population (gnomAD). (I) 0107 - This gene is associated with autosomal dominant disease. (I) 0112 - The condition associated with this gene has incomplete penetrance (OMIM). (I) 0200 - Variant is predicted to result in a missense amino acid change from tryptophan to leucine. (I) 0251 - This variant is heterozygous. (I) 0301 - Variant is absent from gnomAD (both v2 and v3). (SP) 0309 - An alternative amino acid change at the same position has been observed in gnomAD (v3) (1 heterozygote, 0 homozygotes). (I) 0501 - Missense variant consistently predicted to be damaging by multiple in silico tools or highly conserved with a major amino acid change. (SP) 0602 - Variant is located in a hotspot region or cluster of pathogenic variants. Pathogenic missense variants are clustered within the connexin domain (DECIPHER). (SP) 0801 - This variant has strong previous evidence of pathogenicity in unrelated individuals. This variant has been reported as pathogenic and likely pathogenic, and observed in two unrelated families with cataracts. Additionally, it has been observed de novo in another individual with cataracts (ClinVar, PMID: 33494148, PMID: 29464339, PMID: 28392901). (SP) 0902 - This variant has moderate evidence for segregation with disease. This variant has segregated within a large family with cataracts, microphthalmia and nystagmus (PMID: 29464339). (SP) Legend: (SP) - Supporting pathogenic, (I) - Information, (SB) - Supporting benign

Literature cited by the submitters: PubMed 28392901 (cited by 3 submitters); PubMed 29464339 (cited by 3 submitters); PubMed 18334946 (cited by Labcorp Genetics (formerly Invitae), Labcorp); PubMed 21228318 (cited by Labcorp Genetics (formerly Invitae), Labcorp); PubMed 25003127 (cited by Labcorp Genetics (formerly Invitae), Labcorp); PubMed 26694549 (cited by Labcorp Genetics (formerly Invitae), Labcorp); PubMed 32830442 (cited by Dept. Genetics and Cancer, Menzies Institute for Medical Research, University of Tasmania); PubMed 33494148 (cited by Dept. Genetics and Cancer, Menzies Institute for Medical Research, University of Tasmania and Victorian Clinical Genetics Services, Murdoch Childrens Research Institute); PubMed 35980487 (cited by Dept. Genetics and Cancer, Menzies Institute for Medical Research, University of Tasmania); PubMed 33218330 (cited by Victorian Clinical Genetics Services, Murdoch Childrens Research Institute).

NM_005267.5(GJA8):c.134G>T (p.Trp45Leu)

Gene: GJA8 (gap junction protein alpha 8; plus strand). Cytogenetic location: 1q21.2.
Variant type: single nucleotide variant.
Coding change: c.134G>T on transcript NM_005267.5 (MANE Select); coding-DNA position 134, G replaced by T.
Protein change: p.Trp45Leu; replaces tryptophan 45 with leucine.
Molecular consequence: missense variant.
Genome position (GRCh38, 1-based): chr1:147,908,089, G>T. VCF-style: chr1-147908089-G-T. GRCh37 (hg19) VCF-style: chr1-147380216-G-T.
Other names: short protein forms W45L.
Identifiers: ClinVar variation 845873 (VCV000845873.10), dbSNP rs864309688, ClinGen allele CA342223261.